The following is an entry in ClinVar:

ClinVar aggregate classification (germline): Pathogenic/Likely pathogenic. Review status: criteria provided, multiple submitters, no conflicts (2 of 4 stars). 2 submissions from 2 submitters: Pathogenic (1); Likely pathogenic (1). Last evaluated 2024-12-02.

Conditions:
Charlevoix-Saguenay spastic ataxia (SACS). Also called: SPASTIC ATAXIA 6, AUTOSOMAL RECESSIVE; AUTOSOMAL RECESSIVE SPASTIC ATAXIA OF CHARLEVOIX-SAGUENAY; Spastic ataxia of Charlevoix-Saguenay. Identifiers: Orphanet 98, MedGen C1849140, MONDO:0010041, OMIM 270550.
Spastic paraplegia. Identifiers: MedGen C0037772, HP:0001258.

Submissions (2):

Natera, Inc.
Classification: Likely pathogenic for Charlevoix-Saguenay type spastic ataxia. Last evaluated: 2024-12-02. Review status: criteria provided, single submitter. Criteria: Natera Variant Classification Schema (03/2026). Collection method: clinical testing. Allele origin: germline.
Comment: The c.3396dup variant in SACS is a frameshift variant predicted to shift the reading frame beginning at codon 1133 and leads to a stop codon 5 codons downstream. This variant is expected to result in nonsense mediated decay, truncation, or a dysfunctional protein product. This variant is rare in the general population with a frequency below the threshold expected for the associated phenotype(s). Given the available evidence, this variant is classified as Likely Pathogenic.

Labcorp Genetics (formerly Invitae), Labcorp
Classification: Pathogenic for Spastic paraplegia. Last evaluated: 2023-03-12. Review status: criteria provided, single submitter. Criteria: Invitae Variant Classification Sherloc (09022015). Collection method: clinical testing. Allele origin: germline.
Comment: For these reasons, this variant has been classified as Pathogenic. This variant disrupts a region of the SACS protein in which other variant(s) (p.Asp4464Val) have been determined to be pathogenic (Invitae; External communication). This suggests that this is a clinically significant region of the protein, and that variants that disrupt it are likely to be disease-causing. ClinVar contains an entry for this variant (Variation ID: 2122788). This variant has not been reported in the literature in individuals affected with SACS-related conditions. This variant is not present in population databases (gnomAD no frequency). This sequence change creates a premature translational stop signal (p.Leu1133Thrfs*5) in the SACS gene. While this is not anticipated to result in nonsense mediated decay, it is expected to disrupt the last 3447 amino acid(s) of the SACS protein.

NM_014363.6(SACS):c.3396dup (p.Leu1133fs)

Gene: SACS (sacsin molecular chaperone; minus strand). Cytogenetic location: 13q12.12.
Variant type: Duplication.
Coding change: c.3396dup on transcript NM_014363.6 (MANE Select); coding-DNA position 3396, one base duplicated (A; older notation c.3396dupA).
Protein change: p.Leu1133fs; shifts the reading frame from leucine 1133.
Molecular consequence: frameshift variant.
Genome position (GRCh38, 1-based): chr13:23,340,480, T duplicated on the plus strand (A on the coding strand, the reverse complement: SACS is on the minus strand). VCF-style (leftmost placement, unchanged base first): chr13-23340479-G-GT. GRCh37 (hg19) VCF-style: chr13-23914618-G-GT.
Other names: c.2955dup, p.Leu986fs (NM_001278055.2); c.3396dup (NM_014363.5); short protein forms L1133fs, L986fs.
Identifiers: ClinVar variation 2122788 (VCV002122788.5), dbSNP rs2542296358, ClinGen allele CA2580086950.
Genomic context (GRCh38, chr13:23,340,479, plus strand): 5'-TCTTCAATGTCATCTTTCCTTCAGATGATTGCAACAGTGTGTGATTCTTATTTAAAACCA[G>GT]TAAGAGGGTTTTGGCTTTCTTCAGAAGAACATCTTGATCAGGACAAGCACCGACCTGTAA-3'